The following is an entry in ClinVar:

ClinVar aggregate classification (germline): Pathogenic/Likely pathogenic. Review status: criteria provided, multiple submitters, no conflicts (2 of 4 stars). 2 submissions from 2 submitters: Pathogenic (1); Likely pathogenic (1). Last evaluated 2024-05-24.

Conditions:
Retinitis pigmentosa 39 (RP39). Identifiers: Orphanet 791, MedGen C3151138, MONDO:0013436, OMIM 613809.

Submissions (2):

Labcorp Genetics (formerly Invitae), Labcorp
Classification: Pathogenic. Last evaluated: 2024-05-24. Review status: criteria provided, single submitter. Criteria: Invitae Variant Classification Sherloc (09022015). Collection method: clinical testing. Allele origin: germline.
Comment: This sequence change creates a premature translational stop signal (p.Pro4378Argfs*13) in the USH2A gene. It is expected to result in an absent or disrupted protein product. Loss-of-function variants in USH2A are known to be pathogenic (PMID: 10729113, 10909849, 20507924, 25649381). This variant is not present in population databases (gnomAD no frequency). This variant has not been reported in the literature in individuals affected with USH2A-related conditions. ClinVar contains an entry for this variant (Variation ID: 1070462). For these reasons, this variant has been classified as Pathogenic.

Baylor Genetics
Classification: Likely pathogenic for Retinitis pigmentosa 39. Last evaluated: 2023-11-12. Review status: criteria provided, single submitter. Criteria: ACMG Guidelines, 2015. Collection method: clinical testing. Allele origin: unknown.

Literature cited by the submitters: PubMed 10729113 (cited by Labcorp Genetics (formerly Invitae), Labcorp); PubMed 10909849 (cited by Labcorp Genetics (formerly Invitae), Labcorp); PubMed 20507924 (cited by Labcorp Genetics (formerly Invitae), Labcorp); PubMed 25649381 (cited by Labcorp Genetics (formerly Invitae), Labcorp).

NM_206933.4(USH2A):c.13131del (p.Pro4378fs)

Gene: USH2A (usherin; minus strand). Cytogenetic location: 1q41.
Variant type: Deletion.
Coding change: c.13131del on transcript NM_206933.4 (MANE Select); coding-DNA position 13131, one base deleted (A; older notation c.13131delA).
Protein change: p.Pro4378fs; shifts the reading frame from proline 4378.
Molecular consequence: frameshift variant.
Genome position (GRCh38, 1-based): chr1:215,674,780, T deleted on the plus strand (A on the coding strand, the reverse complement: USH2A is on the minus strand). VCF-style (leftmost placement, unchanged base first): chr1-215674779-GT-G. GRCh37 (hg19) VCF-style: chr1-215848121-GT-G.
Other names: short protein forms P4378fs.
Identifiers: ClinVar variation 1070462 (VCV001070462.8), dbSNP rs2102665766, ClinGen allele CA2499214454.